The following is an entry in ClinVar:

NM_000392.5(ABCC2):c.3972C>T (p.Ile1324=)

Gene: ABCC2 (ATP binding cassette subfamily C member 2; plus strand). Cytogenetic location: 10q24.2.
Variant type: single nucleotide variant.
Coding change: c.3972C>T on transcript NM_000392.5 (MANE Select); coding-DNA position 3972, C replaced by T.
Protein change: p.Ile1324=; no amino-acid change (isoleucine 1324 retained).
Molecular consequence: synonymous variant.
Genome position (GRCh38, 1-based): chr10:99,844,450, C>T. VCF-style: chr10-99844450-C-T. GRCh37 (hg19) VCF-style: chr10-101604207-C-T.
Other names: p.Ile1324=; c.3972C>T, p.Ile1324= (LRG_1208t1); c.3972C>T (NM_000392.4).
Identifiers: ClinVar variation 196101 (VCV000196101.22), dbSNP rs3740066, ClinGen allele CA202129.

ClinVar aggregate classification (germline): Benign. Review status: criteria provided, multiple submitters, no conflicts (2 of 4 stars). 8 submissions from 8 submitters: Benign (7). 1 of the submissions does not count toward it. Last evaluated 2026-02-04.

Conditions:
ABCC2-related disorder. Also called: ABCC2-related condition.
Dubin-Johnson syndrome (DJS). Also called: HYPERBILIRUBINEMIA, DUBIN-JOHNSON TYPE; Jaundice, Chronic Idiopathic; Hyperbilirubinemia type 2. Identifiers: Orphanet 234, MedGen C0022350, MONDO:0009380, OMIM 237500.

Allele frequency attached by ClinVar (database versions not stated): 1000 Genomes Project 0.28814; 1000 Genomes Project 30x 0.29232; TOPMed 0.32338; ESP Exome Variant Server 0.33354.
gnomAD v4.1: 577,792 of 1,613,504 alleles (36%); highest among the groups gnomAD compares: Non-Finnish European, 37%; 105,110 homozygotes.

Submissions (8):

Labcorp Genetics (formerly Invitae), Labcorp
Classification: Benign. Last evaluated: 2026-02-04. Review status: criteria provided, single submitter. Criteria: Invitae Variant Classification Sherloc (09022015). Collection method: clinical testing. Allele origin: germline.

Mayo Clinic Laboratories, Mayo Clinic
Classification: Benign. Last evaluated: 2025-01-02. Review status: criteria provided, single submitter. Criteria: ACMG Guidelines, 2015. Collection method: clinical testing. Allele origin: germline. Observed: 292 variant alleles.
Comment: BA1, BS2, BP4, BP7

Genome-Nilou Lab
Classification: Benign for Dubin-Johnson syndrome. Last evaluated: 2021-07-14. Review status: criteria provided, single submitter. Criteria: ACMG Guidelines, 2015. Collection method: clinical testing. Allele origin: germline. Affected: no.

GeneDx
Classification: Benign. Last evaluated: 2021-06-09. Review status: criteria provided, single submitter. Criteria: GeneDx Variant Classification Process June 2021. Collection method: clinical testing. Allele origin: germline. Affected: yes.
Comment: This variant is associated with the following publications: (PMID: 17997497, 24743544, 21541183, 25087612)

Illumina Laboratory Services, Illumina
Classification: Benign for Dubin-Johnson syndrome. Last evaluated: 2018-03-06. Review status: criteria provided, single submitter. Criteria: ICSL Variant Classification Criteria 13 December 2019. Collection method: clinical testing. Allele origin: germline.
Comment: This variant was observed in the ICSL laboratory as part of a predisposition screen in an ostensibly healthy population. It had not been previously curated by ICSL or reported in the Human Gene Mutation Database (HGMD: prior to June 1st, 2018), and was therefore a candidate for classification through an automated scoring system. Utilizing variant allele frequency, disease prevalence and penetrance estimates, and inheritance mode, an automated score was calculated to assess if this variant is too frequent to cause the disease. Based on the score and internal cut-off values, a variant classified as benign is not then subjected to further curation. The score for this variant resulted in a classification of benign for this disease.

Eurofins Ntd Llc (ga)
Classification: Benign. Last evaluated: 2014-12-12. Review status: criteria provided, single submitter. Criteria: EGL Classification Definitions 2015. Collection method: clinical testing. Allele origin: germline. Observed: 1 variant allele, 1 heterozygote.

Breakthrough Genomics
Classification: Benign. Review status: criteria provided, single submitter. Criteria: ACMG Guidelines, 2015. Collection method: not provided. Allele origin: germline. Inheritance: Autosomal recessive inheritance. Affected: yes.

PreventionGenetics, part of Exact Sciences
Classification: Benign for ABCC2-related condition. Last evaluated: 2024-03-06. Review status: no assertion criteria provided. Collection method: clinical testing. Allele origin: germline. Not counted in ClinVar's aggregate classification.
Comment: This variant is classified as benign based on ACMG/AMP sequence variant interpretation guidelines (Richards et al. 2015 PMID: 25741868, with internal and published modifications).